The following is an entry in ClinVar:

NM_014363.6(SACS):c.6577G>T (p.Asp2193Tyr)

Gene: SACS (sacsin molecular chaperone; minus strand). Cytogenetic location: 13q12.12.
Variant type: single nucleotide variant.
Coding change: c.6577G>T on transcript NM_014363.6 (MANE Select); coding-DNA position 6577, G replaced by T.
Protein change: p.Asp2193Tyr; replaces aspartic acid 2193 with tyrosine.
Molecular consequence: missense variant.
Genome position (GRCh38, 1-based): chr13:23,337,299, C>A on the plus strand (G>T on the coding strand, the complement: SACS is on the minus strand). VCF-style: chr13-23337299-C-A. GRCh37 (hg19) VCF-style: chr13-23911438-C-A.
Other names: c.6136G>T, p.Asp2046Tyr (NM_001278055.2); short protein forms D2046Y, D2193Y.
Identifiers: ClinVar variation 3347222 (VCV003347222.1).
Genomic context (GRCh38, chr13:23,337,299, plus strand): 5'-TTGTTTGATATTTTGCAGCAAAATCCTTTGCTCTAGGATCCCTTATTTTTAGTTTCTCAT[C>A]GATAAGACTCAATAAGATACTACTTCTTAGGCATGCAGCAACATGATCACTTTTATTAAT-3'
Protein context (NP_055178.3, residues 2183-2203): LRSSILLSLI[Asp2193Tyr]EKLKIRDPRA

ClinVar aggregate classification (germline): Uncertain significance (0 of 4 stars; one submission).

Conditions:
SACS-related disorder. Also called: SACS-related condition.

Submission:

PreventionGenetics, part of Exact Sciences
Classification: Uncertain significance for SACS-related condition. Last evaluated: 2024-05-16. Review status: no assertion criteria provided. Collection method: clinical testing. Allele origin: germline.
Comment: The SACS c.6577G>T variant is predicted to result in the amino acid substitution p.Asp2193Tyr. To our knowledge, this variant has not been reported in the literature or in a large population database, indicating this variant is rare. At this time, the clinical significance of this variant is uncertain due to the absence of conclusive functional and genetic evidence.